The following is an entry in ClinVar:

NM_001164508.2(NEB):c.7993A>T (p.Ile2665Phe)

Gene: NEB (nebulin; minus strand). Cytogenetic location: 2q23.3.
Variant type: single nucleotide variant.
Coding change: c.7993A>T on transcript NM_001164508.2 (MANE Select); coding-DNA position 7993, A replaced by T.
Protein change: p.Ile2665Phe; replaces isoleucine 2665 with phenylalanine.
Molecular consequence: missense variant.
Genome position (GRCh38, 1-based): chr2:151,643,317, T>A on the plus strand (A>T on the coding strand, the complement: NEB is on the minus strand). VCF-style: chr2-151643317-T-A. GRCh37 (hg19) VCF-style: chr2-152499831-T-A.
Other names: c.7993A>T, p.Ile2665Phe (NM_001164507.2, NM_001271208.2, NM_004543.5); short protein forms I2665F.
Identifiers: ClinVar variation 1044881 (VCV001044881.6), dbSNP rs2098910017, ClinGen allele CA348813865.

ClinVar aggregate classification (germline): Uncertain significance (1 of 4 stars; one submission).

Conditions:
Nemaline myopathy 2 (NEM2). Also called: Nemaline myopathy 2, autosomal recessive. Identifiers: MedGen C1850569, MONDO:0009725, OMIM 256030.

Submission:

Labcorp Genetics (formerly Invitae), Labcorp
Classification: Uncertain significance for Nemaline myopathy 2. Last evaluated: 2021-12-02. Review status: criteria provided, single submitter. Criteria: Invitae Variant Classification Sherloc (09022015). Collection method: clinical testing. Allele origin: germline.
Comment: This sequence change replaces isoleucine, which is neutral and non-polar, with phenylalanine, which is neutral and non-polar, at codon 2665 of the NEB protein (p.Ile2665Phe). This variant is not present in population databases (gnomAD no frequency). This variant has not been reported in the literature in individuals affected with NEB-related conditions. ClinVar contains an entry for this variant (Variation ID: 1044881). Algorithms developed to predict the effect of missense changes on protein structure and function are either unavailable or do not agree on the potential impact of this missense change (SIFT: "Deleterious"; PolyPhen-2: "Not Available"; Align-GVGD: "Class C0"). In summary, the available evidence is currently insufficient to determine the role of this variant in disease. Therefore, it has been classified as a Variant of Uncertain Significance.